The following is an entry in ClinVar:

ClinVar aggregate classification (germline): Conflicting classifications of pathogenicity. Review status: criteria provided, conflicting classifications (1 of 4 stars). 2 submissions from 2 submitters: Uncertain significance (1); Likely benign (1). Last evaluated 2025-05-01.

Conditions:
Hereditary cancer-predisposing syndrome. Also called: Hereditary neoplastic syndrome; Tumor predisposition; Neoplastic Syndromes, Hereditary; Hereditary Cancer Syndrome. Identifiers: Orphanet 140162, MedGen C0027672, MeSH D009386, MONDO:0015356.
Ataxia-telangiectasia syndrome (AT). Also called: Cerebello-oculocutaneous telangiectasia; Immunodeficiency with ataxia telangiectasia; Ataxia-telangiectasia; AT, COMPLEMENTATION GROUP C; Ataxia telangiectasia (A-T); LOUIS-BAR SYNDROME. Identifiers: Orphanet 100, MedGen C0004135, MONDO:0008840, OMIM 208900.

Submissions (2):

Ambry Genetics
Classification: Uncertain significance for Hereditary cancer-predisposing syndrome. Last evaluated: 2025-05-01. Review status: criteria provided, single submitter. Criteria: Ambry Variant Classification Scheme 2023. Collection method: clinical testing. Allele origin: germline.
Comment: The c.5006-4G>T intronic variant results from a G to T substitution 4 nucleotides upstream from coding exon 33 in the ATM gene. This nucleotide position is not well conserved in available vertebrate species. In silico splice site analysis for this alteration is inconclusive. Based on the available evidence, the clinical significance of this variant remains unclear.

Labcorp Genetics (formerly Invitae), Labcorp
Classification: Likely benign for Ataxia-telangiectasia syndrome. Last evaluated: 2022-10-08. Review status: criteria provided, single submitter. Criteria: Invitae Variant Classification Sherloc (09022015). Collection method: clinical testing. Allele origin: germline.

NM_000051.4(ATM):c.5006-4G>T

Gene: ATM (ATM serine/threonine kinase; plus strand). Cytogenetic location: 11q22.3.
Variant type: single nucleotide variant.
Coding change: c.5006-4G>T on transcript NM_000051.4 (MANE Select); 4 bases into the intron before coding-DNA position 5006, G replaced by T.
Molecular consequence: intron variant.
Genome position (GRCh38, 1-based): chr11:108,299,710, G>T. VCF-style: chr11-108299710-G-T. GRCh37 (hg19) VCF-style: chr11-108170437-G-T.
Other names: c.5006-4G>T (NM_000051.3, NM_001351834.2).
Identifiers: ClinVar variation 2416484 (VCV002416484.7), dbSNP rs1591701752, ClinGen allele CA2580082962.